The following is an entry in ClinVar:

ClinVar aggregate classification (germline): Pathogenic/Likely pathogenic. Review status: criteria provided, multiple submitters, no conflicts (2 of 4 stars). 7 submissions from 7 submitters: Pathogenic (2); Likely pathogenic (5). Last evaluated 2025-08-20.

Conditions:
Glycogen storage disease IV, classic hepatic. Also called: GSD IV, CLASSIC HEPATIC. Identifiers: MedGen C1856301.
Glycogen storage disease, type IV (GSD4). Also called: ANDERSEN DISEASE; AMYLOPECTINOSIS; BRANCHER DEFICIENCY; CIRRHOSIS, FAMILIAL, WITH DEPOSITION OF ABNORMAL GLYCOGEN; Glycogen storage disease due to glycogen branching enzyme deficiency; GBE1 DEFICIENCY. Identifiers: Orphanet 367, MedGen C0017923, MONDO:0009292, OMIM 232500.
Adult polyglucosan body disease (APBN). Also called: GBE1-Adult Polyglucosan Body Disease; POLYGLUCOSAN BODY DISEASE, ADULT FORM. Identifiers: Orphanet 206583, MedGen C1849722, MONDO:0009897, OMIM 263570.

Allele frequency attached by ClinVar (database versions not stated): gnomAD exomes below 0.00001 and 0.00002; gnomAD 0.00001; TOPMed 0.00001; ExAC 0.00002; 1000 Genomes Project 30x 0.00016; 1000 Genomes Project 0.00020.
gnomAD v4.1: 36 of 1,583,492 alleles (0.0023%); highest among the groups gnomAD compares: Non-Finnish European, 0.003%; no homozygotes.

Submissions (7):

Natera, Inc.
Classification: Pathogenic for Glycogen storage disease type IV. Last evaluated: 2025-08-20. Review status: criteria provided, single submitter. Criteria: Natera Variant Classification Schema (03/2026). Collection method: clinical testing. Allele origin: germline.
Comment: The c.1803+2T>C variant in GBE1 is a canonical splice donor site variant predicted to affect pre-mRNA splicing, which may result in an abnormal transcript and altered protein product. This variant is expected to result in nonsense mediated decay, truncation, or a dysfunctional protein product. This variant is rare in the general population with a frequency below the threshold expected for the associated phenotype(s). This variant has been observed in one or more individuals affected with the associated recessive disease, as either homozygous or compound heterozygous with a second variant (PMID: 36830903). Given the available evidence, this variant is classified as Pathogenic.

Myriad Genetics, Inc.
Classification: Likely pathogenic for Glycogen storage disease, type IV. Last evaluated: 2025-06-12. Review status: criteria provided, single submitter. Criteria: Myriad Autosomal Dominant, Autosomal Recessive and X-Linked Classification Criteria (2023). Collection method: clinical testing. Allele origin: unknown.
Comment: NM_000158.3(GBE1):c.1803+2T>C is a variant in a canonical splice site classified as likely pathogenic in the context of glycogen storage disease, GBE1-related. c.1803+2T>C has been observed in a case with relevant disease (PMID: 36830903). Relevant functional assessments of this variant are not available in the literature. c.1803+2T>C has been observed in referenced population frequency databases. In summary, NM_000158.3(GBE1):c.1803+2T>C is a variant in a canonical splice site that has been observed more frequently in cases with the relevant disease than in healthy populations. Please note: this variant was assessed in the context of healthy population screening.

Labcorp Genetics (formerly Invitae), Labcorp
Classification: Likely pathogenic for Glycogen storage disease, type IV; Glycogen storage disease IV, classic hepatic. Last evaluated: 2025-05-16. Review status: criteria provided, single submitter. Criteria: Invitae Variant Classification Sherloc (09022015). Collection method: clinical testing. Allele origin: germline.
Comment: This sequence change affects a donor splice site in intron 13 of the GBE1 gene. It is expected to disrupt RNA splicing. Variants that disrupt the donor or acceptor splice site typically lead to a loss of protein function (PMID: 16199547), and loss-of-function variants in GBE1 are known to be pathogenic (PMID: 15452297, 20058079). The frequency data for this variant in the population databases is considered unreliable, as metrics indicate poor data quality at this position in the gnomAD database. Disruption of this splice site has been observed in individual(s) with GBE1-related conditions (PMID: 36830903). ClinVar contains an entry for this variant (Variation ID: 639425). Algorithms developed to predict the effect of sequence changes on RNA splicing suggest that this variant may disrupt the consensus splice site. In summary, the currently available evidence indicates that the variant is pathogenic, but additional data are needed to prove that conclusively. Therefore, this variant has been classified as Likely Pathogenic.

Fulgent Genetics
Classification: Likely pathogenic for Glycogen storage disease, type IV; Adult polyglucosan body disease. Last evaluated: 2024-05-03. Review status: criteria provided, single submitter. Criteria: ACMG Guidelines, 2015. Collection method: clinical testing. Allele origin: germline.

Baylor Genetics
Classification: Pathogenic for Glycogen storage disease, type IV. Last evaluated: 2024-02-26. Review status: criteria provided, single submitter. Criteria: ACMG Guidelines, 2015. Collection method: clinical testing. Allele origin: unknown.

Broad Center for Mendelian Genomics, Broad Institute of MIT and Harvard
Classification: Likely pathogenic for Glycogen storage disease, type IV. Last evaluated: 2022-01-27. Review status: criteria provided, single submitter. Criteria: ACMG Guidelines, 2015. Collection method: curation. Allele origin: germline. Inheritance: Autosomal recessive inheritance.
Comment: The c.1803+2T>C variant in GBE1 has not been previously reported in the literature in individuals with GBE1-related disorders. This variant has been identified in 0.02% (1/5236) of Other chromosomes by the Genome Aggregation Database (gnomAD; dbSNP rs539203557). This variant has been reported in ClinVar (Variation ID#: 639425) and has been interpreted as likely pathogenic by Invitae. This variant is located in the 3' splice region. Computational tools predict a splicing impact, though this information is not predictive enough to determine pathogenicity. Loss of function of the GBE1 gene is an established disease mechanism in autosomal recessive GBE1-related disorders. In summary, although additional studies are required to fully establish its clinical significance, this variant is likely pathogenic for autosomal recessive GBE1-related disorders. ACMG/AMP Criteria applied: PVS1, PM2 (Richards 2015).

Mayo Clinic Laboratories, Mayo Clinic
Classification: Likely pathogenic. Last evaluated: 2021-04-07. Review status: criteria provided, single submitter. Criteria: ACMG Guidelines, 2015. Collection method: clinical testing. Allele origin: germline.
Comment: PVS1, PM2

Literature cited by the submitters: PubMed 36830903 (cited by 3 submitters); PubMed 16199547 (cited by Labcorp Genetics (formerly Invitae), Labcorp); PubMed 15452297 (cited by Labcorp Genetics (formerly Invitae), Labcorp); PubMed 20058079 (cited by Labcorp Genetics (formerly Invitae), Labcorp).

NM_000158.4(GBE1):c.1803+2T>C

Gene: GBE1 (1,4-alpha-glucan branching enzyme 1; minus strand). Cytogenetic location: 3p12.2.
Variant type: single nucleotide variant.
Coding change: c.1803+2T>C on transcript NM_000158.4 (MANE Select); the canonical splice donor site of the intron after coding-DNA position 1803, T replaced by C.
Molecular consequence: splice donor variant.
Genome position (GRCh38, 1-based): chr3:81,536,909, A>G on the plus strand (T>C on the coding strand, the complement: GBE1 is on the minus strand). VCF-style: chr3-81536909-A-G. GRCh37 (hg19) VCF-style: chr3-81586060-A-G.
Identifiers: ClinVar variation 639425 (VCV000639425.17), dbSNP rs539203557, ClinGen allele CA2499565.